The following is an entry in ClinVar:

NM_001005242.3(PKP2):c.1008_1010del (p.Arg336del)

Gene: PKP2 (plakophilin 2; minus strand). Cytogenetic location: 12p11.21.
Variant type: Deletion.
Coding change: c.1008_1010del on transcript NM_001005242.3 (MANE Select); coding-DNA positions 1008 to 1010, 3 bases deleted (AAG; older notation c.1008_1010delAAG).
Protein change: p.Arg336del; deletes arginine 336.
Genome position (GRCh38, 1-based): chr12:32,877,870-32,877,872, CTT deleted on the plus strand (AAG on the coding strand, the reverse complement: PKP2 is on the minus strand); deleting any 3 consecutive bases within chr12:32,877,870-32,877,874 gives the same sequence; the c. name uses the placement nearest the transcript's 3' end. VCF-style (leftmost placement, unchanged base first): chr12-32877869-GCTT-G. GRCh37 (hg19) VCF-style: chr12-33030803-GCTT-G.
Other names: c.1008_1010del, p.Arg336del (NM_001407155.1, NM_001407156.1, NM_001407157.1 and 2 more transcripts); c.681_683del, p.Arg227del (NM_001407158.1, NM_001407159.1, NM_001407160.1 and 1 more transcripts); short protein forms R227del, R336del.
Identifiers: ClinVar variation 3727573 (VCV003727573.2).

ClinVar aggregate classification (germline): Uncertain significance (1 of 4 stars; one submission).

Conditions:
Arrhythmogenic right ventricular dysplasia 9 (ARVD9). Also called: Arrhythmogenic Right Ventricular Dysplasia/Cardiomyopathy 9; ARRHYTHMOGENIC RIGHT VENTRICULAR DYSPLASIA, FAMILIAL, 9. Identifiers: MedGen C1836906, MONDO:0012180, OMIM 609040.

Submission:

Labcorp Genetics (formerly Invitae), Labcorp
Classification: Uncertain significance for Arrhythmogenic right ventricular dysplasia 9. Last evaluated: 2025-01-29. Review status: criteria provided, single submitter. Criteria: Invitae Variant Classification Sherloc (09022015). Collection method: clinical testing. Allele origin: germline.
Comment: This variant, c.1008_1010del, results in the deletion of 1 amino acid(s) of the PKP2 protein (p.Arg336del), but otherwise preserves the integrity of the reading frame. This variant is not present in population databases (gnomAD no frequency). This variant has not been reported in the literature in individuals affected with PKP2-related conditions. Experimental studies and prediction algorithms are not available or were not evaluated, and the functional significance of this variant is currently unknown. In summary, the available evidence is currently insufficient to determine the role of this variant in disease. Therefore, it has been classified as a Variant of Uncertain Significance.